The following is an entry in ClinVar:

ClinVar aggregate classification (germline): Uncertain significance (1 of 4 stars; one submission).

Conditions:
Metachromatic leukodystrophy (MLD). Also called: Arylsulfatase A Deficiency; SULFATIDE LIPIDOSIS; ARSA DEFICIENCY; CEREBROSIDE SULFATASE DEFICIENCY; Cerebral sclerosis diffuse metachromatic form; METACHROMATIC LEUKOENCEPHALOPATHY. Identifiers: Orphanet 512, MedGen C0023522, MONDO:0018868, OMIM 250100.

Allele frequency attached by ClinVar (database versions not stated): gnomAD exomes below 0.00001; TOPMed 0.00001.

Submission:

Labcorp Genetics (formerly Invitae), Labcorp
Classification: Uncertain significance for Metachromatic leukodystrophy. Last evaluated: 2022-07-26. Review status: criteria provided, single submitter. Criteria: Invitae Variant Classification Sherloc (09022015). Collection method: clinical testing. Allele origin: germline.
Comment: This sequence change replaces methionine, which is neutral and non-polar, with threonine, which is neutral and polar, at codon 254 of the ARSA protein (p.Met254Thr). This variant is present in population databases (no rsID available, gnomAD 0.003%). This variant has not been reported in the literature in individuals affected with ARSA-related conditions. ClinVar contains an entry for this variant (Variation ID: 1381046). Algorithms developed to predict the effect of missense changes on protein structure and function are either unavailable or do not agree on the potential impact of this missense change (SIFT: "Tolerated"; PolyPhen-2: "Possibly Damaging"; Align-GVGD: "Class C0"). In summary, the available evidence is currently insufficient to determine the role of this variant in disease. Therefore, it has been classified as a Variant of Uncertain Significance.

NM_000487.6(ARSA):c.761T>C (p.Met254Thr)

Gene: ARSA (arylsulfatase A; minus strand). Cytogenetic location: 22q13.33.
Variant type: single nucleotide variant.
Coding change: c.761T>C on transcript NM_000487.6 (MANE Select); coding-DNA position 761, T replaced by C.
Protein change: p.Met254Thr; replaces methionine 254 with threonine.
Molecular consequence: missense variant.
Genome position (GRCh38, 1-based): chr22:50,626,684, A>G on the plus strand (T>C on the coding strand, the complement: ARSA is on the minus strand). VCF-style: chr22-50626684-A-G. GRCh37 (hg19) VCF-style: chr22-51065112-A-G.
Other names: c.761T>C, p.Met254Thr (NM_001085425.3, NM_001085426.3, NM_001085427.3); c.503T>C, p.Met168Thr (NM_001085428.3, NM_001362782.2); short protein forms M254T, M168T.
Identifiers: ClinVar variation 1381046 (VCV001381046.5), dbSNP rs1200786946, ClinGen allele CA412176309.